The following is an entry in ClinVar:

ClinVar aggregate classification (germline): Uncertain significance (1 of 4 stars; one submission).

gnomAD v4.1: 1 of 1,613,662 alleles (0.000062%); highest among the groups gnomAD compares: East Asian, 0.0022%; no homozygotes.

Submission:

Dasa
Classification: Uncertain significance. Last evaluated: 2025-10-29. Review status: criteria provided, single submitter. Criteria: DASA Assertion Criteria. Collection method: clinical testing. Allele origin: germline.
Comment: NM_001080477.4(TENM3):c.3035C>T (p.Ala1012Val) is a missense variant that results in the substitution of alanine with valine. This variant is rare in population databases. The currently available literature and clinical evidence are not sufficient to establish a definitive association between this variant and the reported condition. Therefore, this variant is classified as a variant of uncertain significance.

NM_001080477.4(TENM3):c.3035C>T (p.Ala1012Val)

Gene: TENM3 (teneurin transmembrane protein 3; plus strand). Cytogenetic location: 4q35.1.
Variant type: single nucleotide variant.
Coding change: c.3035C>T on transcript NM_001080477.4 (MANE Select); coding-DNA position 3035, C replaced by T.
Protein change: p.Ala1012Val; replaces alanine 1012 with valine.
Molecular consequence: missense variant.
Genome position (GRCh38, 1-based): chr4:182,736,875, C>T. VCF-style: chr4-182736875-C-T. GRCh37 (hg19) VCF-style: chr4-183658028-C-T.
Other names: c.2219C>T, p.Ala740Val (NM_001415964.1, NM_001415961.1, NM_001415962.1 and 1 more transcripts); c.2756C>T, p.Ala919Val (NM_001415966.1, NM_001415967.1, NM_001415976.1 and 1 more transcripts); c.3035C>T, p.Ala1012Val (NM_001415968.1, NM_001415969.1, NM_001415970.1 and 4 more transcripts); c.2246C>T, p.Ala749Val (NM_001415960.1); short protein forms A1012V, A740V, A749V, A919V.
Identifiers: ClinVar variation 4880994 (VCV004880994.2).